The following is an entry in ClinVar:

NM_001376.5(DYNC1H1):c.283G>A (p.Glu95Lys)

Gene: DYNC1H1 (dynein cytoplasmic 1 heavy chain 1; plus strand). Cytogenetic location: 14q32.31.
Variant type: single nucleotide variant.
Coding change: c.283G>A on transcript NM_001376.5 (MANE Select); coding-DNA position 283, G replaced by A.
Protein change: p.Glu95Lys; replaces glutamic acid 95 with lysine.
Molecular consequence: missense variant.
Genome position (GRCh38, 1-based): chr14:101,975,738, G>A. VCF-style: chr14-101975738-G-A. GRCh37 (hg19) VCF-style: chr14-102442075-G-A.
Other names: short protein forms E95K.
Identifiers: ClinVar variation 1722788 (VCV001722788.5), dbSNP rs2503672175, ClinGen allele CA391006172.
Genomic context (GRCh38, chr14:101,975,738, plus strand): 5'-GATATTAATTTGATATATTTATTATGATTTGTAGAGGACGTCGGTGATGAAGGAGAAGAA[G>A]AAAAAGAATTCATTTCCTATAACATCAACATAGACATTCATTATGGGGTTAAATCCAATA-3'
Protein context (NP_001367.2, residues 85-105): KEDVGDEGEE[Glu95Lys]KEFISYNINI

ClinVar aggregate classification (germline): Uncertain significance. Review status: criteria provided, multiple submitters, no conflicts (2 of 4 stars). 2 submissions from 2 submitters: Uncertain significance (2). Last evaluated 2023-12-19.

Conditions:
Charcot-Marie-Tooth disease axonal type 2O. Also called: Charcot-Marie-Tooth Neuropathy Type 2O; CHARCOT-MARIE-TOOTH NEUROPATHY, AXONAL, TYPE 2O; CHARCOT-MARIE-TOOTH DISEASE, AXONAL, AUTOSOMAL DOMINANT, TYPE 2O; Charcot-Marie-Tooth disease, axonal, type 20. Identifiers: Orphanet 284232, MedGen C3280220, MONDO:0013644, OMIM 614228.

Submissions (2):

Labcorp Genetics (formerly Invitae), Labcorp
Classification: Uncertain significance for Charcot-Marie-Tooth disease axonal type 2O. Last evaluated: 2023-12-19. Review status: criteria provided, single submitter. Criteria: Invitae Variant Classification Sherloc (09022015). Collection method: clinical testing. Allele origin: germline.
Comment: This sequence change replaces glutamic acid, which is acidic and polar, with lysine, which is basic and polar, at codon 95 of the DYNC1H1 protein (p.Glu95Lys). This variant is not present in population databases (gnomAD no frequency). This variant has not been reported in the literature in individuals affected with DYNC1H1-related conditions. ClinVar contains an entry for this variant (Variation ID: 1722788). Advanced modeling of protein sequence and biophysical properties (such as structural, functional, and spatial information, amino acid conservation, physicochemical variation, residue mobility, and thermodynamic stability) performed at Invitae indicates that this missense variant is not expected to disrupt DYNC1H1 protein function with a negative predictive value of 95%. In summary, the available evidence is currently insufficient to determine the role of this variant in disease. Therefore, it has been classified as a Variant of Uncertain Significance.

GeneDx
Classification: Uncertain significance. Last evaluated: 2022-05-02. Review status: criteria provided, single submitter. Criteria: GeneDx Variant Classification Process June 2021. Collection method: clinical testing. Allele origin: germline. Affected: yes.
Comment: Not observed at significant frequency in large population cohorts (gnomAD); In silico analysis supports that this missense variant does not alter protein structure/function; Has not been previously published as pathogenic or benign to our knowledge